The following is an entry in ClinVar:

NM_007254.4(PNKP):c.1511G>A (p.Arg504Gln)

Gene: PNKP (polynucleotide kinase 3'-phosphatase; minus strand). Cytogenetic location: 19q13.33.
Variant type: single nucleotide variant.
Coding change: c.1511G>A on transcript NM_007254.4 (MANE Select); coding-DNA position 1511, G replaced by A.
Protein change: p.Arg504Gln; replaces arginine 504 with glutamine.
Molecular consequence: missense variant.
Genome position (GRCh38, 1-based): chr19:49,861,303, C>T on the plus strand (G>A on the coding strand, the complement: PNKP is on the minus strand). VCF-style: chr19-49861303-C-T. GRCh37 (hg19) VCF-style: chr19-50364560-C-T.
Other names: c.1511G>A (NM_007254.3); short protein forms R504Q.
Identifiers: ClinVar variation 1053510 (VCV001053510.14), dbSNP rs745651405, ClinGen allele CA9586324.

ClinVar aggregate classification (germline): Uncertain significance. Review status: criteria provided, multiple submitters, no conflicts (2 of 4 stars). 3 submissions from 3 submitters: Uncertain significance (3). Last evaluated 2025-12-11.

Conditions:
Inborn genetic diseases. Identifiers: MedGen C0950123, MeSH D030342.
Developmental and epileptic encephalopathy, 12 (DEE12). Identifiers: MedGen C3150988, MONDO:0013389, OMIM 613722.

Allele frequency attached by ClinVar (database versions not stated): TOPMed below 0.00001; ExAC 0.00002; gnomAD exomes 0.00002.

Submissions (3):

Ambry Genetics
Classification: Uncertain significance for Inborn genetic diseases. Last evaluated: 2025-12-11. Review status: criteria provided, single submitter. Criteria: Ambry Variant Classification Scheme 2023. Collection method: clinical testing. Allele origin: germline.

GeneDx
Classification: Uncertain significance. Last evaluated: 2022-02-07. Review status: criteria provided, single submitter. Criteria: GeneDx Variant Classification Process June 2021. Collection method: clinical testing. Allele origin: germline. Affected: yes.
Comment: Not observed at significant frequency in large population cohorts (gnomAD); In silico analysis supports that this missense variant does not alter protein structure/function; Has not been previously published as pathogenic or benign to our knowledge; This variant is associated with the following publications: (PMID: 22508754)

Labcorp Genetics (formerly Invitae), Labcorp
Classification: Uncertain significance for Developmental and epileptic encephalopathy, 12. Last evaluated: 2020-02-04. Review status: criteria provided, single submitter. Criteria: Invitae Variant Classification Sherloc (09022015). Collection method: clinical testing. Allele origin: germline.
Comment: In summary, the available evidence is currently insufficient to determine the role of this variant in disease. Therefore, it has been classified as a Variant of Uncertain Significance. Algorithms developed to predict the effect of sequence changes on RNA splicing suggest that this variant may create or strengthen a splice site, but this prediction has not been confirmed by published transcriptional studies. Algorithms developed to predict the effect of missense changes on protein structure and function output the following: SIFT: "Tolerated"; PolyPhen-2: "Benign"; Align-GVGD: "Class C0". The glutamine amino acid residue is found in multiple mammalian species, suggesting that this missense change does not adversely affect protein function. These predictions have not been confirmed by published functional studies and their clinical significance is uncertain. This variant has not been reported in the literature in individuals with PNKP-related conditions. This variant is present in population databases (rs745651405, ExAC 0.01%). This sequence change replaces arginine with glutamine at codon 504 of the PNKP protein (p.Arg504Gln). The arginine residue is moderately conserved and there is a small physicochemical difference between arginine and glutamine.